The following is an entry in ClinVar:

NM_003331.5(TYK2):c.2821C>T (p.Arg941Cys)

Gene: TYK2 (tyrosine kinase 2; minus strand). Cytogenetic location: 19p13.2.
Variant type: single nucleotide variant.
Coding change: c.2821C>T on transcript NM_003331.5 (MANE Select); coding-DNA position 2821, C replaced by T.
Protein change: p.Arg941Cys; replaces arginine 941 with cysteine.
Molecular consequence: missense variant.
Genome position (GRCh38, 1-based): chr19:10,354,129, G>A on the plus strand (C>T on the coding strand, the complement: TYK2 is on the minus strand). VCF-style: chr19-10354129-G-A. GRCh37 (hg19) VCF-style: chr19-10464805-G-A.
Other names: c.2821C>T, p.Arg941Cys (NM_001385197.1, NM_001385198.1, NM_001406461.1); c.2635C>T, p.Arg879Cys (NM_001385199.1); c.2818C>T, p.Arg940Cys (NM_001385200.1); c.2623C>T, p.Arg875Cys (NM_001385201.1); c.2737C>T, p.Arg913Cys (NM_001385202.1); c.2902C>T, p.Arg968Cys (NM_001385203.1); c.3031C>T, p.Arg1011Cys (NM_001385204.1); c.2731C>T, p.Arg911Cys (NM_001385205.1); and 2 more; short protein forms R875C, R913C, R935C, R879C, R899C, R940C, R941C, R1011C.
Identifiers: ClinVar variation 1967992 (VCV001967992.6), dbSNP rs2040960541, ClinGen allele CA403988311.

ClinVar aggregate classification (germline): Uncertain significance. Review status: criteria provided, multiple submitters, no conflicts (2 of 4 stars). 2 submissions from 2 submitters: Uncertain significance (2). Last evaluated 2022-07-29.

Conditions:
Inborn genetic diseases. Identifiers: MedGen C0950123, MeSH D030342.
Immunodeficiency 35 (IMD35). Also called: TYK2 DEFICIENCY; HIES WITH ATYPICAL MYCOBACTERIOSIS, AUTOSOMAL RECESSIVE; HYPER-IgE SYNDROME WITH ATYPICAL MYCOBACTERIOSIS, AUTOSOMAL RECESSIVE; Susceptibility to infection due to TYK2 deficiency. Identifiers: Orphanet 331226, MedGen C1969086, MONDO:0012682, OMIM 611521.

Allele frequency attached by ClinVar (database versions not stated): gnomAD exomes below 0.00001.
gnomAD v4.1: 2 of 1,614,046 alleles (0.00012%); highest among the groups gnomAD compares: Middle Eastern, 0.016%; no homozygotes.

Submissions (2):

Labcorp Genetics (formerly Invitae), Labcorp
Classification: Uncertain significance for Immunodeficiency 35. Last evaluated: 2022-07-29. Review status: criteria provided, single submitter. Criteria: Invitae Variant Classification Sherloc (09022015). Collection method: clinical testing. Allele origin: germline.
Comment: In summary, the available evidence is currently insufficient to determine the role of this variant in disease. Therefore, it has been classified as a Variant of Uncertain Significance. Algorithms developed to predict the effect of missense changes on protein structure and function are either unavailable or do not agree on the potential impact of this missense change (SIFT: "Not Available"; PolyPhen-2: "Possibly Damaging"; Align-GVGD: "Not Available"). This variant has not been reported in the literature in individuals affected with TYK2-related conditions. This variant is not present in population databases (gnomAD no frequency). This sequence change replaces arginine, which is basic and polar, with cysteine, which is neutral and slightly polar, at codon 941 of the TYK2 protein (p.Arg941Cys).

Ambry Genetics
Classification: Uncertain significance for Inborn genetic diseases. Last evaluated: 2022-06-03. Review status: criteria provided, single submitter. Criteria: Ambry Variant Classification Scheme 2023. Collection method: clinical testing. Allele origin: germline.